The following is an entry in ClinVar:

NM_000179.3(MSH6):c.1546A>T (p.Ile516Phe)

Gene: MSH6 (mutS homolog 6; plus strand). Cytogenetic location: 2p16.3.
Variant type: single nucleotide variant.
Coding change: c.1546A>T on transcript NM_000179.3 (MANE Select); coding-DNA position 1546, A replaced by T.
Protein change: p.Ile516Phe; replaces isoleucine 516 with phenylalanine.
Molecular consequence: missense variant.
Genome position (GRCh38, 1-based): chr2:47,799,529, A>T. VCF-style: chr2-47799529-A-T. GRCh37 (hg19) VCF-style: chr2-48026668-A-T.
Other names: c.1156A>T, p.Ile386Phe (NM_001281492.2); c.640A>T, p.Ile214Phe (NM_001281493.2, NM_001281494.2, NM_001406811.1 and 6 more transcripts); c.1642A>T, p.Ile548Phe (NM_001406795.1, NM_001406802.1); c.1546A>T, p.Ile516Phe (NM_001406796.1, NM_001406798.1, NM_001406800.1 and 4 more transcripts); c.1249A>T, p.Ile417Phe (NM_001406797.1, NM_001406801.1, NM_001406805.1 and 10 more transcripts); c.1021A>T, p.Ile341Phe (NM_001406799.1, NM_001406806.1, NM_001406807.1); c.1468A>T, p.Ile490Phe (NM_001406804.1); c.1552A>T, p.Ile518Phe (NM_001406813.1); and 1 more; short protein forms I341F, I460F, I518F, I214F, I386F, I490F, I548F, I417F.
Identifiers: ClinVar variation 1774932 (VCV001774932.2), dbSNP rs1669343512, ClinGen allele CA346746624.

ClinVar aggregate classification (germline): Uncertain significance (1 of 4 stars; one submission).

Conditions:
Hereditary cancer-predisposing syndrome. Also called: Hereditary Cancer Syndrome; Hereditary neoplastic syndrome; Neoplastic Syndromes, Hereditary; Tumor predisposition. Identifiers: Orphanet 140162, MedGen C0027672, MeSH D009386, MONDO:0015356.

Submission:

Ambry Genetics
Classification: Uncertain significance for Hereditary cancer-predisposing syndrome. Last evaluated: 2020-02-12. Review status: criteria provided, single submitter. Criteria: Ambry Variant Classification Scheme 2023. Collection method: clinical testing. Allele origin: germline.
Comment: The p.I516F variant (also known as c.1546A>T), located in coding exon 4 of the MSH6 gene, results from an A to T substitution at nucleotide position 1546. The isoleucine at codon 516 is replaced by phenylalanine, an amino acid with highly similar properties. This amino acid position is not well conserved in available vertebrate species. In addition, the in silico prediction for this alteration is inconclusive. Since supporting evidence is limited at this time, the clinical significance of this alteration remains unclear.